The following is an entry in ClinVar:

ClinVar aggregate classification (germline): Uncertain significance (1 of 4 stars; one submission).

Allele frequency attached by ClinVar (database versions not stated): TOPMed below 0.00001; gnomAD exomes 0.00001.
gnomAD v4.1: 8 of 1,613,902 alleles (0.0005%); highest among the groups gnomAD compares: Non-Finnish European, 0.00068%; no homozygotes.

Submission:

GeneDx
Classification: Uncertain significance. Last evaluated: 2022-09-28. Review status: criteria provided, single submitter. Criteria: GeneDx Variant Classification Process June 2021. Collection method: clinical testing. Allele origin: germline. Affected: yes.
Comment: Not observed at significant frequency in large population cohorts (gnomAD); In silico analysis supports that this missense variant has a deleterious effect on protein structure/function; Has not been previously published as pathogenic or benign to our knowledge

NM_000170.3(GLDC):c.1372A>T (p.Ile458Phe)

Gene: GLDC (glycine decarboxylase; minus strand). Cytogenetic location: 9p24.1.
Variant type: single nucleotide variant.
Coding change: c.1372A>T on transcript NM_000170.3 (MANE Select); coding-DNA position 1372, A replaced by T.
Protein change: p.Ile458Phe; replaces isoleucine 458 with phenylalanine.
Molecular consequence: missense variant.
Genome position (GRCh38, 1-based): chr9:6,592,880, T>A on the plus strand (A>T on the coding strand, the complement: GLDC is on the minus strand). VCF-style: chr9-6592880-T-A. GRCh37 (hg19) VCF-style: chr9-6592880-T-A.
Other names: short protein forms I458F.
Identifiers: ClinVar variation 2446595 (VCV002446595.1), dbSNP rs932101631, ClinGen allele CA188666069.